The following is an entry in ClinVar:

NM_001768.7(CD8A):c.696G>A (p.Ala232=)

Gene: CD8A (CD8 subunit alpha; minus strand). Cytogenetic location: 2p11.2.
Variant type: single nucleotide variant.
Coding change: c.696G>A on transcript NM_001768.7 (MANE Select); coding-DNA position 696, G replaced by A.
Protein change: p.Ala232=; no amino-acid change (alanine 232 retained).
Molecular consequence: synonymous variant. On other transcripts: non-coding transcript variant (5).
Genome position (GRCh38, 1-based): chr2:86,785,932, C>T on the plus strand (G>A on the coding strand, the complement: CD8A is on the minus strand). VCF-style: chr2-86785932-C-T. GRCh37 (hg19) VCF-style: chr2-87013055-C-T.
Other names: c.696G>A, p.Ala232= (NM_001145873.1, NM_001382698.1); c.585G>A, p.Ala195= (NM_171827.4).
Identifiers: ClinVar variation 2909905 (VCV002909905.5), dbSNP rs758328226, ClinGen allele CA1751072.

ClinVar aggregate classification (germline): Likely benign. Review status: criteria provided, single submitter (1 of 4 stars). 2 submissions from 2 submitters: Likely benign (1). 1 of the submissions does not count toward it. Last evaluated 2025-07-07.

Conditions:
CD8A-related disorder. Also called: CD8A-related condition.
Susceptibility to respiratory infections associated with CD8alpha chain mutation (IMD116). Also called: Cd8 deficiency, familial; IMMUNODEFICIENCY 116. Identifiers: Orphanet 169085, MedGen C1837065, MONDO:0012161, OMIM 608957.

Allele frequency attached by ClinVar (database versions not stated): TOPMed 0.00006; ExAC 0.00002; gnomAD exomes 0.00001; gnomAD 0.00003.
gnomAD v4.1: 16 of 1,613,304 alleles (0.00099%); highest among the groups gnomAD compares: East Asian, 0.033%; no homozygotes.

Submissions (2):

Labcorp Genetics (formerly Invitae), Labcorp
Classification: Likely benign for Susceptibility to respiratory infections associated with CD8alpha chain mutation. Last evaluated: 2025-07-07. Review status: criteria provided, single submitter. Criteria: Invitae Variant Classification Sherloc (09022015). Collection method: clinical testing. Allele origin: germline.

PreventionGenetics, part of Exact Sciences
Classification: Likely benign for CD8A-related condition. Last evaluated: 2019-02-26. Review status: no assertion criteria provided. Collection method: clinical testing. Allele origin: germline. Not counted in ClinVar's aggregate classification.
Comment: This variant is classified as likely benign based on ACMG/AMP sequence variant interpretation guidelines (Richards et al. 2015 PMID: 25741868, with internal and published modifications).